The following is an entry in ClinVar:

NM_001267550.2(TTN):c.23853C>T (p.Ala7951=)

Gene: TTN (titin; minus strand). Cytogenetic location: 2q31.2.
Variant type: single nucleotide variant.
Coding change: c.23853C>T on transcript NM_001267550.2 (MANE Select); coding-DNA position 23853, C replaced by T.
Protein change: p.Ala7951=; no amino-acid change (alanine 7951 retained).
Molecular consequence: synonymous variant. On other transcripts: intron variant (3).
Genome position (GRCh38, 1-based): chr2:178,719,639, G>A on the plus strand (C>T on the coding strand, the complement: TTN is on the minus strand). VCF-style: chr2-178719639-G-A. GRCh37 (hg19) VCF-style: chr2-179584366-G-A.
Other names: c.23853C>T (LRG_391t1); c.22902C>T, p.Ala7634= (NM_001256850.1); c.20121C>T, p.Ala6707= (NM_133378.4); c.13282+18443C>T (NM_003319.4); c.13858+18443C>T (NM_133437.4); c.13657+18443C>T (NM_133432.3).
Identifiers: ClinVar variation 448775 (VCV000448775.50), dbSNP rs201766927, ClinGen allele CA2000558.

ClinVar aggregate classification (germline): Likely benign. Review status: criteria provided, multiple submitters, no conflicts (2 of 4 stars). 6 submissions from 6 submitters: Likely benign (6). Last evaluated 2026-03-31.

Conditions:
TTN-related disorder. Also called: TTN-related disorders; TTN-related condition; TTN-related disease.
Cardiomyopathy (CMYO). Also called: Cardiomyopathies. Identifiers: Orphanet 167848, MedGen C0878544, MONDO:0004994, HP:0001638. Inheritance: Various modes of inheritance.
Dilated cardiomyopathy 1G (CMD1G). Identifiers: Orphanet 154, MedGen C1858763, MONDO:0011400, OMIM 604145.
Autosomal recessive limb-girdle muscular dystrophy type 2J (LGMDR10). Also called: Limb-girdle muscular dystrophy, type 2J; MUSCULAR DYSTROPHY, LIMB-GIRDLE, AUTOSOMAL RECESSIVE 10. Identifiers: Orphanet 140922, MedGen C1837342, MONDO:0012127, OMIM 608807.

Allele frequency attached by ClinVar (database versions not stated): TOPMed 0.00008.

Submissions (6):

PreventionGenetics, part of Exact Sciences
Classification: Likely benign for TTN-related condition. Last evaluated: 2026-03-31. Review status: criteria provided, single submitter. Criteria: ACMG Guidelines, 2015. Collection method: clinical testing. Allele origin: germline.
Comment: This variant is classified as likely benign based on ACMG/AMP sequence variant interpretation guidelines (Richards et al. 2015 PMID: 25741868, with internal and published modifications).

Labcorp Genetics (formerly Invitae), Labcorp
Classification: Likely benign for Dilated cardiomyopathy 1G; Autosomal recessive limb-girdle muscular dystrophy type 2J. Last evaluated: 2025-12-30. Review status: criteria provided, single submitter. Criteria: Invitae Variant Classification Sherloc (09022015). Collection method: clinical testing. Allele origin: germline.

CeGaT Center for Human Genetics Tuebingen
Classification: Likely benign. Last evaluated: 2023-07-01. Review status: criteria provided, single submitter. Criteria: CeGaT Center For Human Genetics Tuebingen Variant Classification Criteria Version 2. Collection method: clinical testing. Allele origin: germline. Affected: yes. Observed: 1 variant allele.
Comment: TTN: BP4, BP7

Women's Health and Genetics/Laboratory Corporation of America, LabCorp
Classification: Likely benign. Last evaluated: 2023-05-22. Review status: criteria provided, single submitter. Criteria: LabCorp Variant Classification Summary - May 2015. Collection method: clinical testing. Allele origin: germline.

CHEO Genetics Diagnostic Laboratory, Children's Hospital of Eastern Ontario
Classification: Likely benign for Cardiomyopathy. Last evaluated: 2020-01-20. Review status: criteria provided, single submitter. Criteria: ACMG Guidelines, 2015. Collection method: clinical testing. Allele origin: germline.

Athena Diagnostics
Classification: Likely benign. Last evaluated: 2017-01-17. Review status: criteria provided, single submitter. Criteria: Athena Diagnostics Criteria. Collection method: clinical testing. Allele origin: germline.